The following is an entry in ClinVar:

NM_004984.4(KIF5A):c.1897A>G (p.Ile633Val)

Gene: KIF5A (kinesin family member 5A; plus strand). Cytogenetic location: 12q13.3.
Variant type: single nucleotide variant.
Coding change: c.1897A>G on transcript NM_004984.4 (MANE Select); coding-DNA position 1897, A replaced by G.
Protein change: p.Ile633Val; replaces isoleucine 633 with valine.
Molecular consequence: missense variant.
Genome position (GRCh38, 1-based): chr12:57,575,264, A>G. VCF-style: chr12-57575264-A-G. GRCh37 (hg19) VCF-style: chr12-57969047-A-G.
Other names: c.1630A>G, p.Ile544Val (NM_001354705.2); short protein forms I544V, I633V.
Identifiers: ClinVar variation 2131477 (VCV002131477.4), dbSNP rs2540508025, ClinGen allele CA385509259.

ClinVar aggregate classification (germline): Uncertain significance (1 of 4 stars; one submission).

Conditions:
Spastic paraplegia. Identifiers: MedGen C0037772, HP:0001258.

gnomAD v4.1: 2 of 1,613,156 alleles (0.00012%); highest among the groups gnomAD compares: Non-Finnish European, 0.00017%; no homozygotes.

Submission:

Labcorp Genetics (formerly Invitae), Labcorp
Classification: Uncertain significance for Spastic paraplegia. Last evaluated: 2023-02-05. Review status: criteria provided, single submitter. Criteria: Invitae Variant Classification Sherloc (09022015). Collection method: clinical testing. Allele origin: germline.
Comment: This variant is not present in population databases (gnomAD no frequency). In summary, the available evidence is currently insufficient to determine the role of this variant in disease. Therefore, it has been classified as a Variant of Uncertain Significance. Advanced modeling of protein sequence and biophysical properties (such as structural, functional, and spatial information, amino acid conservation, physicochemical variation, residue mobility, and thermodynamic stability) performed at Invitae indicates that this missense variant is not expected to disrupt KIF5A protein function. This variant has not been reported in the literature in individuals affected with KIF5A-related conditions. This sequence change replaces isoleucine, which is neutral and non-polar, with valine, which is neutral and non-polar, at codon 633 of the KIF5A protein (p.Ile633Val).